The following is an entry in ClinVar:

NM_032242.4(PLXNA1):c.107G>T (p.Gly36Val)

Gene: PLXNA1 (plexin A1; plus strand). Cytogenetic location: 3q21.3.
Variant type: single nucleotide variant.
Coding change: c.107G>T on transcript NM_032242.4 (MANE Select); coding-DNA position 107, G replaced by T.
Protein change: p.Gly36Val; replaces glycine 36 with valine.
Molecular consequence: missense variant.
Genome position (GRCh38, 1-based): chr3:126,988,700, G>T. VCF-style: chr3-126988700-G-T. GRCh37 (hg19) VCF-style: chr3-126707543-G-T.
Other names: short protein forms G36V.
Identifiers: ClinVar variation 3351089 (VCV003351089.1).

ClinVar aggregate classification (germline): Uncertain significance (0 of 4 stars; one submission).

Conditions:
PLXNA1-related disorder. Also called: PLXNA1-related condition.

gnomAD v4.1: 11 of 1,574,790 alleles (0.0007%); highest among the groups gnomAD compares: African/African-American, 0.012%; no homozygotes.

Submission:

PreventionGenetics, part of Exact Sciences
Classification: Uncertain significance for PLXNA1-related condition. Last evaluated: 2024-09-18. Review status: no assertion criteria provided. Collection method: clinical testing. Allele origin: germline.
Comment: The PLXNA1 c.107G>T variant is predicted to result in the amino acid substitution p.Gly36Val. To our knowledge, this variant has not been reported in the literature. This variant is reported in 0.0082% of alleles in individuals of African descent in gnomAD. At this time, the clinical significance of this variant is uncertain due to the absence of conclusive functional and genetic evidence.